The following is an entry in ClinVar:

NM_016169.4(SUFU):c.1127A>T (p.Glu376Val)

Gene: SUFU (SUFU negative regulator of hedgehog signaling; plus strand). Cytogenetic location: 10q24.32.
Variant type: single nucleotide variant.
Coding change: c.1127A>T on transcript NM_016169.4 (MANE Select); coding-DNA position 1127, A replaced by T.
Protein change: p.Glu376Val; replaces glutamic acid 376 with valine.
Molecular consequence: missense variant.
Genome position (GRCh38, 1-based): chr10:102,615,372, A>T. VCF-style: chr10-102615372-A-T. GRCh37 (hg19) VCF-style: chr10-104375129-A-T.
Other names: c.1127A>T, p.Glu376Val (NM_001178133.2); short protein forms E376V.
Identifiers: ClinVar variation 2047859 (VCV002047859.4), dbSNP rs2492779673, ClinGen allele CA377914405.
Genomic context (GRCh38, chr10:102,615,372, plus strand): 5'-TTCCCCATGAGCTGATTCGCACGCGGCAGCTTGAGAGCGTACATCTGAAATTCAACCAGG[A>T]GTCCGGAGCCCTCATTCCTCTCTGCCTAAGGTGAGCGAGACAGCCCTGCCACACAGTTTA-3'
Protein context (NP_057253.2, residues 366-386): LESVHLKFNQ[Glu376Val]SGALIPLCLR

ClinVar aggregate classification (germline): Uncertain significance (1 of 4 stars; one submission).

Conditions:
Medulloblastoma (MDB). Also called: Medulloblastoma, somatic; MEDULLOBLASTOMA PREDISPOSITION SYNDROME. Identifiers: Orphanet 616, MedGen C0025149, MeSH D008527, MONDO:0007959, OMIM 155255, HP:0002885.
Gorlin syndrome. Also called: Basal cell nevus syndrome; Nevoid Basal Cell Carcinoma Syndrome. Identifiers: Orphanet 377, MedGen C0004779, MONDO:0007187.

Submission:

Labcorp Genetics (formerly Invitae), Labcorp
Classification: Uncertain significance for Gorlin syndrome; Medulloblastoma. Last evaluated: 2022-05-04. Review status: criteria provided, single submitter. Criteria: Invitae Variant Classification Sherloc (09022015). Collection method: clinical testing. Allele origin: germline.
Comment: This variant has not been reported in the literature in individuals affected with SUFU-related conditions. This variant is not present in population databases (gnomAD no frequency). This sequence change replaces glutamic acid, which is acidic and polar, with valine, which is neutral and non-polar, at codon 376 of the SUFU protein (p.Glu376Val). In summary, the available evidence is currently insufficient to determine the role of this variant in disease. Therefore, it has been classified as a Variant of Uncertain Significance. Algorithms developed to predict the effect of missense changes on protein structure and function are either unavailable or do not agree on the potential impact of this missense change (SIFT: "Tolerated"; PolyPhen-2: "Probably Damaging"; Align-GVGD: "Class C0").